The following is an entry in ClinVar:

ClinVar aggregate classification (germline): Benign. Review status: criteria provided, multiple submitters, no conflicts (2 of 4 stars). 6 submissions from 6 submitters: Benign (6). Last evaluated 2026-02-04.

Conditions:
Multicentric osteolysis nodulosis arthropathy spectrum. Identifiers: Orphanet 3460, Orphanet 371428, MedGen C1850155, MONDO:0018298.

Allele frequency attached by ClinVar (database versions not stated): 1000 Genomes Project 0.32488; 1000 Genomes Project 30x 0.32683; TOPMed 0.35857; ESP Exome Variant Server 0.35919; gnomAD 0.36020 and 0.36104.
gnomAD v4.1: 674,231 of 1,613,572 alleles (42%); highest among the groups gnomAD compares: Non-Finnish European, 44%; 143,906 homozygotes.

Submissions (6):

Labcorp Genetics (formerly Invitae), Labcorp
Classification: Benign. Last evaluated: 2026-02-04. Review status: criteria provided, single submitter. Criteria: Invitae Variant Classification Sherloc (09022015). Collection method: clinical testing. Allele origin: germline.

Blueprint Genetics
Classification: Benign. Last evaluated: 2024-11-27. Review status: criteria provided, single submitter. Criteria: ACMG Guidelines, 2015. Collection method: clinical testing. Allele origin: germline.

Genome-Nilou Lab
Classification: Benign for Multicentric osteolysis, nodulosis, and arthropathy. Last evaluated: 2021-09-05. Review status: criteria provided, single submitter. Criteria: ACMG Guidelines, 2015. Collection method: clinical testing. Allele origin: germline. Affected: no.

GeneDx
Classification: Benign. Last evaluated: 2018-11-12. Review status: criteria provided, single submitter. Criteria: GeneDx Variant Classification Process June 2021. Collection method: clinical testing. Allele origin: germline. Affected: yes.

Illumina Laboratory Services, Illumina
Classification: Benign for Multicentric osteolysis, nodulosis, and arthropathy. Last evaluated: 2018-01-13. Review status: criteria provided, single submitter. Criteria: ICSL Variant Classification Criteria 13 December 2019. Collection method: clinical testing. Allele origin: germline.
Comment: This variant was observed in the ICSL laboratory as part of a predisposition screen in an ostensibly healthy population. It had not been previously curated by ICSL or reported in the Human Gene Mutation Database (HGMD: prior to June 1st, 2018), and was therefore a candidate for classification through an automated scoring system. Utilizing variant allele frequency, disease prevalence and penetrance estimates, and inheritance mode, an automated score was calculated to assess if this variant is too frequent to cause the disease. Based on the score and internal cut-off values, a variant classified as benign is not then subjected to further curation. The score for this variant resulted in a classification of benign for this disease.

Breakthrough Genomics
Classification: Benign. Review status: criteria provided, single submitter. Criteria: ACMG Guidelines, 2015. Collection method: not provided. Allele origin: germline. Inheritance: Autosomal recessive inheritance. Affected: yes.

NM_004530.6(MMP2):c.1380G>A (p.Thr460=)

Gene: MMP2 (matrix metallopeptidase 2; plus strand). Cytogenetic location: 16q12.2.
Variant type: single nucleotide variant.
Coding change: c.1380G>A on transcript NM_004530.6 (MANE Select); coding-DNA position 1380, G replaced by A.
Protein change: p.Thr460=; no amino-acid change (threonine 460 retained).
Molecular consequence: synonymous variant.
Genome position (GRCh38, 1-based): chr16:55,493,201, G>A. VCF-style: chr16-55493201-G-A. GRCh37 (hg19) VCF-style: chr16-55527113-G-A.
Other names: c.1230G>A, p.Thr410= (NM_001127891.3); c.1152G>A, p.Thr384= (NM_001302508.1, NM_001302509.2, NM_001302510.2).
Identifiers: ClinVar variation 319761 (VCV000319761.19), dbSNP rs2287074, ClinGen allele CA8060423.